The following is an entry in ClinVar:

ClinVar aggregate classification (germline): Conflicting classifications of pathogenicity. Review status: criteria provided, conflicting classifications (1 of 4 stars). 11 submissions from 11 submitters: Uncertain significance (1); Benign (1); Likely benign (6). 3 of the submissions do not count toward it. Last evaluated 2026-02-03.

Conditions:
RAI1-related disorder. Also called: RAI1-related condition.
Inborn genetic diseases. Identifiers: MedGen C0950123, MeSH D030342.

Allele frequency attached by ClinVar (database versions not stated): 1000 Genomes Project 30x 0.00031; 1000 Genomes Project 0.00040; gnomAD exomes 0.00058 and 0.00111; ExAC 0.00059; gnomAD 0.00064 and 0.00066; TOPMed 0.00066; ESP Exome Variant Server 0.00085.
gnomAD v4.1: 1,727 of 1,614,154 alleles (0.11%); highest among the groups gnomAD compares: Non-Finnish European, 0.14%; 3 homozygotes.

Submissions (11):

Labcorp Genetics (formerly Invitae), Labcorp
Classification: Likely benign. Last evaluated: 2026-02-03. Review status: criteria provided, single submitter. Criteria: Invitae Variant Classification Sherloc (09022015). Collection method: clinical testing. Allele origin: germline.

CeGaT Center for Human Genetics Tuebingen
Classification: Likely benign. Last evaluated: 2025-06-01. Review status: criteria provided, single submitter. Criteria: CeGaT Center For Human Genetics Tuebingen Variant Classification Criteria Version 2. Collection method: clinical testing. Allele origin: germline. Affected: yes. Observed: 5 variant alleles.
Comment: RAI1: BS1

Blueprint Genetics
Classification: Likely benign. Last evaluated: 2024-11-08. Review status: criteria provided, single submitter. Criteria: ACMG Guidelines, 2015. Collection method: clinical testing. Allele origin: germline.

Ambry Genetics
Classification: Likely benign for Inborn genetic diseases. Last evaluated: 2021-09-22. Review status: criteria provided, single submitter. Criteria: Ambry Variant Classification Scheme 2023. Collection method: clinical testing. Allele origin: germline.

GeneDx
Classification: Benign. Last evaluated: 2020-06-15. Review status: criteria provided, single submitter. Criteria: GeneDx Variant Classification Process June 2021. Collection method: clinical testing. Allele origin: germline. Affected: yes.
Comment: This variant is associated with the following publications: (PMID: 32032478)

Genetic Services Laboratory, University of Chicago
Classification: Likely benign. Last evaluated: 2017-02-24. Review status: criteria provided, single submitter. Criteria: ACMG Guidelines, 2015. Collection method: clinical testing. Allele origin: germline. Affected: no.

Center for Pediatric Genomic Medicine, Children's Mercy Hospital and Clinics
Classification: Likely benign. Last evaluated: 2017-01-24. Review status: criteria provided, single submitter. Criteria: ACMG Guidelines, 2015. Collection method: clinical testing. Allele origin: germline.
ClinVar note: Converted during submission from Likely Benign to Likely benign.

Eurofins Ntd Llc (ga)
Classification: Uncertain significance. Last evaluated: 2014-11-23. Review status: criteria provided, single submitter. Criteria: EGL Classification Definitions 2015. Collection method: clinical testing. Allele origin: germline. Observed: 2 variant alleles, 2 heterozygotes.

PreventionGenetics, part of Exact Sciences
Classification: Likely benign for RAI1-related condition. Last evaluated: 2019-07-31. Review status: no assertion criteria provided. Collection method: clinical testing. Allele origin: germline. Not counted in ClinVar's aggregate classification.
Comment: This variant is classified as likely benign based on ACMG/AMP sequence variant interpretation guidelines (Richards et al. 2015 PMID: 25741868, with internal and published modifications).

Clinical Genetics DNA and cytogenetics Diagnostics Lab, Erasmus MC, Erasmus Medical Center
Classification: Likely benign. Review status: no assertion criteria provided. Collection method: clinical testing. Allele origin: germline. Affected: yes. Study: VKGL Data-share Consensus. Not counted in ClinVar's aggregate classification.

Diagnostic Laboratory, Department of Genetics, University Medical Center Groningen
Classification: Likely benign. Review status: no assertion criteria provided. Collection method: clinical testing. Allele origin: germline. Affected: yes. Study: VKGL Data-share Consensus. Not counted in ClinVar's aggregate classification.

NM_030665.4(RAI1):c.5036C>T (p.Ala1679Val)

Gene: RAI1 (retinoic acid induced 1; plus strand). Cytogenetic location: 17p11.2.
Variant type: single nucleotide variant.
Coding change: c.5036C>T on transcript NM_030665.4 (MANE Select); coding-DNA position 5036, C replaced by T.
Protein change: p.Ala1679Val; replaces alanine 1679 with valine.
Molecular consequence: missense variant.
Genome position (GRCh38, 1-based): chr17:17,797,984, C>T. VCF-style: chr17-17797984-C-T. GRCh37 (hg19) VCF-style: chr17-17701298-C-T.
Other names: short protein forms A1679V.
Identifiers: ClinVar variation 196556 (VCV000196556.54), dbSNP rs142981643, ClinGen allele CA243550.
Genomic context (GRCh38, chr17:17,797,984, plus strand): 5'-AGCCGCGGCCCTCCTTGCCCCTCTCCTCCACGATGCACTTGGGGCCTGTGGTTTCCAAGG[C>T]CCTGAGTACCTCTTGCCTTGTTTGCTGCCTCTGCCAAAACCCGGCCAACTTCAAGGACCT-3'
Protein context (NP_109590.3, residues 1669-1689): TMHLGPVVSK[Ala1679Val]LSTSCLVCCL